The following is an entry in ClinVar:

ClinVar aggregate classification (germline): Conflicting classifications of pathogenicity. Review status: criteria provided, conflicting classifications (1 of 4 stars). 10 submissions from 10 submitters: Pathogenic (4); Likely pathogenic (4); Uncertain significance (1). 1 of the submissions does not count toward it. Last evaluated 2026-08-13.

Conditions:
Hereditary cancer-predisposing syndrome. Also called: Tumor predisposition; Hereditary neoplastic syndrome; Neoplastic Syndromes, Hereditary; Hereditary Cancer Syndrome. Identifiers: Orphanet 140162, MedGen C0027672, MeSH D009386, MONDO:0015356.
Cardiovascular phenotype. Identifiers: MedGen CN230736.
Noonan syndrome 2 (NS2). Identifiers: Orphanet 648, MedGen C1854469, MONDO:0011531, OMIM 605275.
LZTR1-related schwannomatosis. Also called: Schwannomatosis 2; Schwannomatosis-2, susceptibility to. Identifiers: Orphanet 93921, MedGen C3810283, MONDO:0014299, OMIM 615670.

Allele frequency attached by ClinVar (database versions not stated): gnomAD 0.00001; TOPMed 0.00001.

Submissions (11):

Ambry Genetics
Classification: Uncertain significance for Cardiovascular phenotype; Hereditary cancer-predisposing syndrome. Last evaluated: 2026-08-13. Review status: criteria provided, single submitter. Criteria: Ambry Variant Classification Scheme 2023. Collection method: clinical testing. Allele origin: germline.
Comment: The c.2407-2A>G intronic variant results from an A to G substitution two nucleotides upstream from coding exon 21 in the LZTR1 gene. This alteration occurs at the 3' terminus of the LZTR1 gene and is not expected to trigger nonsense-mediated mRNA decay. This variant has been reported in trans with another LZTR1 alteration (p.R697Q) in a child with features of Noonan syndrome and in the same couple's identical twin pregnancy affected with hydrops and congenital heart defects (Johnston JJ et al. Genet Med, 2018 10;20:1175-1185). This variant has also been identified in an individual with schwannomatosis and acute lymphoblastic leukemia (Louvrier C et al. Neuro Oncol, 2018 Jun;20:917-929; Kim J et al. JNCI Cancer Spectr, 2021 Apr;5:). This nucleotide position is highly conserved in available vertebrate species. In silico splice site analysis predicts that this alteration will weaken the native splice acceptor site and will result in the creation or strengthening of a novel splice acceptor site; however, direct evidence is insufficient at this time (Ambry internal data). Since supporting evidence is limited at this time, the clinical significance of this alteration remains unclear.

GeneDx
Classification: Likely pathogenic. Last evaluated: 2026-05-07. Review status: criteria provided, single submitter. Criteria: GeneDx Variant Classification Process June 2021. Collection method: clinical testing. Allele origin: germline.
Comment: Canonical splice site variant predicted to result in an in-frame loss of the adjacent exon in a gene for which loss of function is a known mechanism of disease; Not observed in large population cohorts (gnomAD); This variant is associated with the following publications: (PMID: 34308104, 29469822, 29409008, 39140257, 38496821, 38333672, 39062695, 35979676, 38982897)

Labcorp Genetics (formerly Invitae), Labcorp
Classification: Pathogenic. Last evaluated: 2026-01-28. Review status: criteria provided, single submitter. Criteria: Invitae Variant Classification Sherloc (09022015). Collection method: clinical testing. Allele origin: germline.
Comment: This sequence change affects an acceptor splice site in intron 20 of the LZTR1 gene. While this variant is not anticipated to result in nonsense mediated decay, it likely alters RNA splicing and results in a disrupted protein product. This variant is not present in population databases (gnomAD no frequency). Disruption of this splice site has been observed in individual(s) with LZTR1-related conditions (PMID: 29469822, 35979676). In at least one individual the data is consistent with being in trans (on the opposite chromosome) from a pathogenic variant. It has also been observed to segregate with disease in related individuals. ClinVar contains an entry for this variant (Variation ID: 809337). Variants that disrupt the consensus splice site are a relatively common cause of aberrant splicing (PMID: 17576681, 9536098). Algorithms developed to predict the effect of sequence changes on RNA splicing suggest that this variant may disrupt the consensus splice site. For these reasons, this variant has been classified as Pathogenic.

Revvity Omics, Revvity
Classification: Pathogenic. Last evaluated: 2024-03-20. Review status: criteria provided, single submitter. Criteria: ACMG Guidelines, 2015. Collection method: clinical testing. Allele origin: germline.

Institute of Human Genetics, University of Leipzig Medical Center
Classification: Likely pathogenic for LZTR1-related schwannomatosis. Last evaluated: 2023-12-04. Review status: criteria provided, single submitter. Criteria: ACMG Guidelines, 2015. Collection method: clinical testing. Allele origin: unknown. Inheritance: Autosomal dominant inheritance. Affected: yes.
Comment: Criteria applied: PS4,PVS1_MOD,PM2_SUP

Women's Health and Genetics/Laboratory Corporation of America, LabCorp
Classification: Likely pathogenic for Noonan syndrome 2. Last evaluated: 2022-08-22. Review status: criteria provided, single submitter. Criteria: LabCorp Variant Classification Summary - May 2015. Collection method: clinical testing. Allele origin: germline.
Comment: Variant summary: LZTR1 c.2407-2A>G is located in a canonical splice-site and is predicted to affect mRNA splicing resulting in a significantly altered protein due to either exon skipping, shortening, or inclusion of intronic material. Several computational tools predict a significant impact on normal splicing: Four predict the variant abolishes the canonical 3' splice acceptor site. However, these predictions have yet to be confirmed by functional studies. The variant was absent in 249908 control chromosomes. c.2407-2A>G has been reported in the literature as a compound heterozygous genotype in three individuals from a single family affected with Autosomal recessive Noonan Syndrome (example, Johnston_2018). Of note, the obligate carrier parents in this family were nondysmorphic and had no cardiac anomalies. Additionally, the clinical features of Schwannomatosis in the obligate carrier father were not specified/reported in this study. It has also been reported as a VUS in settings of Schwannomatosis (example, Louvrier_2018 cited in Deng_2022). These data indicate that the variant may be associated with disease. To our knowledge, no experimental evidence demonstrating an impact on protein function has been reported. Three clinical diagnostic laboratories have submitted clinical-significance assessments for this variant to ClinVar after 2014 without evidence for independent evaluation. Germline loss of function mutations in LZTR1 have been reported to predispose to an inherited disorder of multiple schwannomas (Piotrowski_2014). Based on the evidence outlined above, the variant was classified as likely pathogenic for NSRD and/or risk for multiple Schwannomas.

Baylor Genetics
Classification: Pathogenic for LZTR1-related schwannomatosis. Last evaluated: 2022-03-10. Review status: criteria provided, single submitter. Criteria: ACMG Guidelines, 2015. Collection method: clinical testing. Allele origin: unknown.

New York Genome Center
Classification: Pathogenic for Noonan syndrome 2. Last evaluated: 2020-07-10. Review status: criteria provided, single submitter. Criteria: NYGC Assertion Criteria 2020. Collection method: clinical testing. Allele origin: germline. Inheritance: Autosomal recessive inheritance. Observed: 1 heterozygote. Study: CSER-NYCKidSeq.

CeGaT Center for Human Genetics Tuebingen
Classification: Likely pathogenic. Last evaluated: 2017-01-01. Review status: criteria provided, single submitter. Criteria: CeGaT Center For Human Genetics Tuebingen Variant Classification Criteria Version 2. Collection method: clinical testing. Allele origin: germline. Affected: yes. Observed: 1 variant allele.

Department of Pathology and Laboratory Medicine, Sinai Health System
Classification: Uncertain significance. Review status: no assertion criteria provided. Collection method: clinical testing. Allele origin: unknown. Affected: yes. Study: The Canadian Open Genetics Repository (COGR). Not counted in ClinVar's aggregate classification.
Comment: The LZTR1 c.2407-2A>G variant was identified in 1 of 24 proband chromosomes (frequency: 0.04167) from 12 families with Noonan synrome (Johnston_2018_PMID: 29469822). Johnston et al. studied 12 families with a total of 23 affected children with features of Noonan syndrome with variable expressivity; all had unaffected parents. All of the affected children harbored biallelic pathogenic mutations in LZTR1; Their parents were each carriers for the c.2407-2A>G and p.R697Q variants and were unaffected. Other mutations included loss of function, missense, and canonical and non-canonical splicing variants (Johnston_2018_PMID: 29469822). The variant was also identified in dbSNP (ID: rs1158550690) and in the LOVD 3.0 database. The variant was not identified in the ClinVar, Clinvitae, COGR, Cosmic, MutDB, UMD-LSDB or ARUP Laboratories databases. The variant was not identified in the following control databases: the 1000 Genomes Project, the NHLBI GO Exome Sequencing Project, the Exome Aggregation Consortium (August 8th 2016), or the Genome Aggregation Database (Feb 27, 2017). The c.2407-2A>G variant is predicted to cause abnormal splicing because the nucleotide substitution occurs in the invariant region of the splice consensus sequence. Further, 4 out of 4 programs predict a loss of a 3' splice site at c.2407. The c.2407-2A nucleotide is conserved across mammals and other organisms and is predicted to be disease causing by MutationTaster. However, the predicted loss of splicing occurs in the last exon of this gene, therefore the effect on the protein is unknown. In summary, based on the above information the clinical significance of this variant cannot be determined with certainty at this time. This variant is classified as a variant of uncertain significance. References: Johnston, Jennifer J., et al. "Autosomal recessive Noonan syndrome associated with biallelic LZTR1 variants." Genetics in Medicine (2018).

Dr. Peter K. Rogan Lab, Western University
No classification provided (evidence only). Condition: Papillary renal cell carcinoma type 1. Review status: no classification provided. Collection method: in vitro. Allele origin: not applicable. Functional consequence: retained intron. Not counted in ClinVar's aggregate classification.

Literature cited by the submitters: PubMed 29409008 (cited by Ambry Genetics and Women's Health and Genetics/Laboratory Corporation of America, LabCorp); PubMed 29469822 (cited by 3 submitters); PubMed 34308104 (cited by Ambry Genetics); PubMed 35979676 (cited by Labcorp Genetics (formerly Invitae), Labcorp); PubMed 17576681 (cited by Labcorp Genetics (formerly Invitae), Labcorp); PubMed 9536098 (cited by Labcorp Genetics (formerly Invitae), Labcorp); PubMed 35391499 (cited by Women's Health and Genetics/Laboratory Corporation of America, LabCorp).

NM_006767.4(LZTR1):c.2407-2A>G

Gene: LZTR1 (leucine zipper like post translational regulator 1; plus strand). Cytogenetic location: 22q11.21.
Variant type: single nucleotide variant.
Coding change: c.2407-2A>G on transcript NM_006767.4 (MANE Select); the canonical splice acceptor site of the intron before coding-DNA position 2407, A replaced by G.
Molecular consequence: splice acceptor variant.
Genome position (GRCh38, 1-based): chr22:20,997,230, A>G. VCF-style: chr22-20997230-A-G. GRCh37 (hg19) VCF-style: chr22-21351519-A-G.
Other names: c.2407-2A>G (NM_006767.3).
Identifiers: ClinVar variation 809337 (VCV000809337.64), dbSNP rs1158550690, ClinGen allele CA410781431.
Genomic context (GRCh38, chr22:20,997,230, plus strand): 5'-CTGCCCACCATGGCCCTTAGGTGGATCTGGTCCCATCTCCTTCCGGCCTGCTTGCCTTAC[A>G]GGTCTCCAAGTTGCCCACCCTGCGGTCGCTGAGCCAGCAGCTGCTGCTGGACATCATAGA-3'